The following is an entry in ClinVar:

NM_138694.4(PKHD1):c.11060delinsTT (p.Gln3687fs)

Gene: PKHD1 (PKHD1 ciliary IPT domain containing fibrocystin/polyductin; minus strand). Cytogenetic location: 6p12.3.
Variant type: Indel.
Coding change: c.11060delinsTT on transcript NM_138694.4 (MANE Select); coding-DNA position 11060, A replaced by TT.
Protein change: p.Gln3687fs; shifts the reading frame from glutamine 3687.
Molecular consequence: frameshift variant.
Genome position (GRCh38, 1-based): chr6:51,659,066, T replaced by AA on the plus strand (A replaced by TT on the coding strand, the reverse complement: PKHD1 is on the minus strand). VCF-style: chr6-51659066-T-AA. GRCh37 (hg19) VCF-style: chr6-51523864-T-AA.
Other names: short protein forms Q3687fs.
Identifiers: ClinVar variation 2028487 (VCV002028487.4), dbSNP rs2533431703, ClinGen allele CA2580075413.
Genomic context (GRCh38, chr6:51,659,066, plus strand): 5'-TTCAGAACATTCTCTAGTACCCCAGTCTGTTGAGCAGTGATGACTCGATGAGCCAAATTC[T>AA]GTAATTTGTTACTTGATAAGGATGAAATCATTCCAGTGCTCCTTACTGTTGGCGAATCAC-3'

ClinVar aggregate classification (germline): Pathogenic (1 of 4 stars; one submission).

Conditions:
Autosomal recessive polycystic kidney disease (ARPKD). Also called: AR polycystic kidney disease. Identifiers: Orphanet 731, Orphanet 8378, MedGen C0085548, MeSH D017044, MONDO:0009889.

Submission:

Labcorp Genetics (formerly Invitae), Labcorp
Classification: Pathogenic for Autosomal recessive polycystic kidney disease. Last evaluated: 2022-04-08. Review status: criteria provided, single submitter. Criteria: Invitae Variant Classification Sherloc (09022015). Collection method: clinical testing. Allele origin: germline.
Comment: For these reasons, this variant has been classified as Pathogenic. This variant has not been reported in the literature in individuals affected with PKHD1-related conditions. This variant is not present in population databases (gnomAD no frequency). This sequence change creates a premature translational stop signal (p.Gln3687Leufs*45) in the PKHD1 gene. It is expected to result in an absent or disrupted protein product. Loss-of-function variants in PKHD1 are known to be pathogenic (PMID: 19940839).

Literature cited by the submitters: PubMed 19940839.